The following is an entry in ClinVar:

ClinVar aggregate classification (germline): Uncertain significance (1 of 4 stars; one submission).

Conditions:
NIK deficiency. Also called: Primary immunodeficiency with multifaceted aberrant lymphoid immunity. Identifiers: Orphanet 447731, MedGen C5680065, MONDO:0018642.

Allele frequency attached by ClinVar (database versions not stated): gnomAD exomes below 0.00001; TOPMed below 0.00001.

Submission:

Labcorp Genetics (formerly Invitae), Labcorp
Classification: Uncertain significance for NIK deficiency. Last evaluated: 2024-02-17. Review status: criteria provided, single submitter. Criteria: Invitae Variant Classification Sherloc (09022015). Collection method: clinical testing. Allele origin: germline.
Comment: This sequence change replaces histidine, which is basic and polar, with tyrosine, which is neutral and polar, at codon 415 of the MAP3K14 protein (p.His415Tyr). This variant is not present in population databases (gnomAD no frequency). This variant has not been reported in the literature in individuals affected with MAP3K14-related conditions. ClinVar contains an entry for this variant (Variation ID: 1396746). Experimental studies and prediction algorithms are not available or were not evaluated, and the functional significance of this variant is currently unknown. In summary, the available evidence is currently insufficient to determine the role of this variant in disease. Therefore, it has been classified as a Variant of Uncertain Significance.

NM_003954.5(MAP3K14):c.1243C>T (p.His415Tyr)

Gene: MAP3K14 (mitogen-activated protein kinase kinase kinase 14; minus strand). Cytogenetic location: 17q21.31.
Variant type: single nucleotide variant.
Coding change: c.1243C>T on transcript NM_003954.5 (MANE Select); coding-DNA position 1243, C replaced by T.
Protein change: p.His415Tyr; replaces histidine 415 with tyrosine.
Molecular consequence: missense variant.
Genome position (GRCh38, 1-based): chr17:45,284,859, G>A on the plus strand (C>T on the coding strand, the complement: MAP3K14 is on the minus strand). VCF-style: chr17-45284859-G-A. GRCh37 (hg19) VCF-style: chr17-43362226-G-A.
Other names: short protein forms H415Y.
Identifiers: ClinVar variation 1396746 (VCV001396746.6), dbSNP rs2044251581, ClinGen allele CA399886901.